The following is an entry in ClinVar:

ClinVar aggregate classification (germline): Conflicting classifications of pathogenicity. Review status: criteria provided, conflicting classifications (1 of 4 stars). 2 submissions from 2 submitters: Uncertain significance (1); Likely benign (1). Last evaluated 2025-03-04.

Conditions:
Microcephaly 6, primary, autosomal recessive. Identifiers: Orphanet 2512, MedGen C1842109, MONDO:0012029, OMIM 608393.

gnomAD v4.1: 29 of 1,613,948 alleles (0.0018%); highest among the groups gnomAD compares: Non-Finnish European, 0.0024%; no homozygotes.

Submissions (2):

Labcorp Genetics (formerly Invitae), Labcorp
Classification: Likely benign. Last evaluated: 2025-03-04. Review status: criteria provided, single submitter. Criteria: Invitae Variant Classification Sherloc (09022015). Collection method: clinical testing. Allele origin: germline.

Revvity Omics, Revvity
Classification: Uncertain significance. Last evaluated: 2021-01-09. Review status: criteria provided, single submitter. Criteria: ACMG Guidelines, 2015. Collection method: clinical testing. Allele origin: germline.

NM_018451.5(CPAP):c.568+7T>G

Genes: CPAP (centrosome assembly and centriole elongation protein; minus strand), LOC126861710 (MED14-independent group 3 enhancer GRCh37_chr13:25484884-25486083; plus strand). Cytogenetic location: 13q12.13.
Variant type: single nucleotide variant.
Coding change: c.568+7T>G on transcript NM_018451.5 (MANE Select); 7 bases into the intron after coding-DNA position 568, T replaced by G.
Molecular consequence: intron variant.
Genome position (GRCh38, 1-based): chr13:24,911,939, A>C on the plus strand (T>G on the coding strand, the complement: CPAP is on the minus strand). VCF-style: chr13-24911939-A-C. GRCh37 (hg19) VCF-style: chr13-25486077-A-C.
Other names: c.568+7T>G (NM_018451.4).
Identifiers: ClinVar variation 1918287 (VCV001918287.9), dbSNP rs1258929370, ClinGen allele CA608674825.